The following is an entry in ClinVar:

NM_003384.3(VRK1):c.502_503del (p.Ile168fs)

Gene: VRK1 (VRK serine/threonine kinase 1; plus strand). Cytogenetic location: 14q32.2.
Variant type: Microsatellite.
Coding change: c.502_503del on transcript NM_003384.3 (MANE Select); coding-DNA positions 502 to 503, 2 bases deleted (AT; older notation c.502_503delAT).
Protein change: p.Ile168fs; shifts the reading frame from isoleucine 168.
Molecular consequence: frameshift variant.
Genome position (GRCh38, 1-based): chr14:96,853,092-96,853,093, AT deleted; deleting any 2 consecutive bases within chr14:96,853,088-96,853,093 gives the same sequence; the c. name uses the placement nearest the transcript's 3' end. VCF-style (leftmost placement, unchanged base first): chr14-96853087-AAT-A. GRCh37 (hg19) VCF-style: chr14-97319424-AAT-A.
Other names: c.502_503del, p.Ile168fs (NM_001411051.1, NM_001411053.1); c.502_503del (NM_003384.2); short protein forms I168fs.
Identifiers: ClinVar variation 2835943 (VCV002835943.4), dbSNP rs2504185136, ClinGen allele CA2739278354.
Genomic context (GRCh38, chr14:96,853,087, plus strand): 5'-CTGGTGTTAGGTACTGCATTAACTTATTCTGTATGATACTTTCATAGCTGGATATTCTGG[AAT>A]ATATTCACGAGCATGAGTATGTGCATGGAGATATCAAGGCCTCAAATCTTCTTCTGAACT-3'

ClinVar aggregate classification (germline): Pathogenic/Likely pathogenic. Review status: criteria provided, multiple submitters, no conflicts (2 of 4 stars). 2 submissions from 2 submitters: Pathogenic (1); Likely pathogenic (1). Last evaluated 2024-07-08.

Conditions:
Pontocerebellar hypoplasia type 1A (PCH1A). Also called: PONTOCEREBELLAR HYPOPLASIA WITH ANTERIOR HORN CELL DISEASE; PONTOCEREBELLAR HYPOPLASIA WITH INFANTILE SPINAL MUSCULAR ATROPHY. Identifiers: Orphanet 2254, Orphanet 88616, MedGen C1843504, MONDO:0011866, OMIM 607596.

Submissions (2):

Natera, Inc.
Classification: Likely pathogenic for Pontocerebellar hypoplasia, type 1a. Last evaluated: 2024-07-08. Review status: criteria provided, single submitter. Criteria: Natera Variant Classification Schema (03/2026). Collection method: clinical testing. Allele origin: germline.
Comment: The c.502_503del variant in VRK1 is a frameshift variant predicted to shift the reading frame beginning at codon 168 and leads to a stop codon 4 codons downstream. This variant is expected to result in nonsense mediated decay, truncation, or a dysfunctional protein product. This variant is rare in the general population with a frequency below the threshold expected for the associated phenotype(s). Given the available evidence, this variant is classified as Likely Pathogenic.

Labcorp Genetics (formerly Invitae), Labcorp
Classification: Pathogenic for Pontocerebellar hypoplasia type 1A. Last evaluated: 2023-02-09. Review status: criteria provided, single submitter. Criteria: Invitae Variant Classification Sherloc (09022015). Collection method: clinical testing. Allele origin: germline.
Comment: This variant has not been reported in the literature in individuals affected with VRK1-related conditions. For these reasons, this variant has been classified as Pathogenic. This variant is not present in population databases (gnomAD no frequency). This sequence change creates a premature translational stop signal (p.Ile168Serfs*4) in the VRK1 gene. It is expected to result in an absent or disrupted protein product. Loss-of-function variants in VRK1 are known to be pathogenic (PMID: 19646678, 24126608, 27281532).

Literature cited by the submitters: PubMed 19646678 (cited by Labcorp Genetics (formerly Invitae), Labcorp); PubMed 24126608 (cited by Labcorp Genetics (formerly Invitae), Labcorp); PubMed 27281532 (cited by Labcorp Genetics (formerly Invitae), Labcorp).